The following is an entry in ClinVar:

NM_001370259.2(MEN1):c.1202G>T (p.Gly401Val)

Gene: MEN1 (menin 1; minus strand). Cytogenetic location: 11q13.1.
Variant type: single nucleotide variant.
Coding change: c.1202G>T on transcript NM_001370259.2 (MANE Select); coding-DNA position 1202, G replaced by T.
Protein change: p.Gly401Val; replaces glycine 401 with valine.
Molecular consequence: missense variant.
Genome position (GRCh38, 1-based): chr11:64,805,182, C>A on the plus strand (G>T on the coding strand, the complement: MEN1 is on the minus strand). VCF-style: chr11-64805182-C-A. GRCh37 (hg19) VCF-style: chr11-64572654-C-A.
Other names: c.1217G>T, p.Gly406Val (NM_000244.4, NM_130800.3, NM_130801.3 and 3 more transcripts); c.1328G>T, p.Gly443Val (NM_001370251.2); c.1202G>T, p.Gly401Val (NM_001370260.2, NM_001370261.2, NM_130799.3); c.1097G>T, p.Gly366Val (NM_001370262.2, NM_001370263.2); short protein forms G401V, G406V, G366V, G443V.
Identifiers: ClinVar variation 241797 (VCV000241797.14), dbSNP rs878855186, ClinGen allele CA10582933.

ClinVar aggregate classification (germline): Uncertain significance. Review status: criteria provided, multiple submitters, no conflicts (2 of 4 stars). 5 submissions from 5 submitters: Uncertain significance (5). Last evaluated 2026-01-19.

Conditions:
Hereditary cancer-predisposing syndrome. Also called: Neoplastic Syndromes, Hereditary; Tumor predisposition; Hereditary neoplastic syndrome; Hereditary Cancer Syndrome. Identifiers: Orphanet 140162, MedGen C0027672, MeSH D009386, MONDO:0015356.
Multiple endocrine neoplasia, type 1 (MEN1). Also called: MEN I; WERMER SYNDROME; Endocrine adenomatosis multiple; MEN 1; MEA I. Identifiers: Orphanet 652, MedGen C0025267, MeSH D018761, MONDO:0007540, OMIM 131100.

Allele frequency attached by ClinVar (database versions not stated): TOPMed 0.00002.
gnomAD v4.1: 5 of 1,613,772 alleles (0.00031%); highest among the groups gnomAD compares: Non-Finnish European, 0.00042%; no homozygotes.

Submissions (5):

Labcorp Genetics (formerly Invitae), Labcorp
Classification: Uncertain significance for Multiple endocrine neoplasia, type 1. Last evaluated: 2026-01-19. Review status: criteria provided, single submitter. Criteria: Invitae Variant Classification Sherloc (09022015). Collection method: clinical testing. Allele origin: germline.
Comment: This sequence change replaces glycine, which is neutral and non-polar, with valine, which is neutral and non-polar, at codon 401 of the MEN1 protein (p.Gly401Val). This variant is not present in population databases (gnomAD no frequency). This variant has not been reported in the literature in individuals affected with MEN1-related conditions. ClinVar contains an entry for this variant (Variation ID: 241797). Invitae Evidence Modeling of protein sequence and biophysical properties (such as structural, functional, and spatial information, amino acid conservation, physicochemical variation, residue mobility, and thermodynamic stability) has been performed for this missense variant. However, the output from this modeling did not meet the statistical confidence thresholds required to predict the impact of this variant on MEN1 protein function. In summary, the available evidence is currently insufficient to determine the role of this variant in disease. Therefore, it has been classified as a Variant of Uncertain Significance.

Quest Diagnostics Nichols Institute San Juan Capistrano
Classification: Uncertain significance. Last evaluated: 2025-10-29. Review status: criteria provided, single submitter. Criteria: Quest Diagnostics criteria. Collection method: clinical testing. Allele origin: unknown.

Ambry Genetics
Classification: Uncertain significance for Hereditary cancer-predisposing syndrome. Last evaluated: 2024-05-15. Review status: criteria provided, single submitter. Criteria: Ambry Variant Classification Scheme 2023. Collection method: clinical testing. Allele origin: germline.
Comment: The p.G401V variant (also known as c.1202G>T), located in coding exon 8 of the MEN1 gene, results from a G to T substitution at nucleotide position 1202. The glycine at codon 401 is replaced by valine, an amino acid with dissimilar properties. This amino acid position is well conserved in available vertebrate species. In addition, the in silico prediction for this alteration is inconclusive. Since supporting evidence is limited at this time, the clinical significance of this alteration remains unclear.

Baylor Genetics
Classification: Uncertain significance for Multiple Endocrine Neoplasia Type 1. Last evaluated: 2023-08-31. Review status: criteria provided, single submitter. Criteria: ACMG Guidelines, 2015. Collection method: clinical testing. Allele origin: unknown.

All of Us Research Program, National Institutes of Health
Classification: Uncertain significance for Multiple endocrine neoplasia, type 1. Last evaluated: 2023-08-28. Review status: criteria provided, single submitter. Criteria: ACMG Guidelines, 2015. Collection method: clinical testing. Allele origin: germline. Inheritance: Autosomal dominant inheritance. Observed: 1 variant allele, 1 heterozygote.
Comment: This missense variant replaces glycine with valine at codon 401 of the MEN1 protein. Computational prediction is inconclusive regarding the impact of this variant on protein structure and function (internally defined REVEL score threshold 0.5 < inconclusive < 0.7, PMID: 27666373). To our knowledge, functional studies have not been reported for this variant. This variant has not been reported in individuals affected with MEN1-related disorders in the literature. This variant has not been identified in the general population by the Genome Aggregation Database (gnomAD). The available evidence is insufficient to determine the role of this variant in disease conclusively. Therefore, this variant is classified as a Variant of Uncertain Significance.

This study involves interpretation of variants in research participants for the purpose of population health screening. Participant phenotype was not available at the time of variant classification. Additional details can be found in publication PMID: 35346344, PMCID: PMC8962531